The following is an entry in ClinVar:

ClinVar aggregate classification (germline): Uncertain significance (1 of 4 stars; one submission).

Allele frequency attached by ClinVar (database versions not stated): ExAC 0.00001; TOPMed 0.00002.

Submission:

Labcorp Genetics (formerly Invitae), Labcorp
Classification: Uncertain significance. Last evaluated: 2025-12-08. Review status: criteria provided, single submitter. Criteria: Invitae Variant Classification Sherloc (09022015). Collection method: clinical testing. Allele origin: germline.
Comment: This sequence change replaces serine, which is neutral and polar, with leucine, which is neutral and non-polar, at codon 12 of the DUSP6 protein (p.Ser12Leu). This variant is present in population databases (rs752643011, gnomAD 0.006%). This variant has not been reported in the literature in individuals affected with DUSP6-related conditions. ClinVar contains an entry for this variant (Variation ID: 2885072). An algorithm developed to predict the effect of missense changes on protein structure and function (PolyPhen-2) suggests that this variant is likely to be tolerated. In summary, the available evidence is currently insufficient to determine the role of this variant in disease. Therefore, it has been classified as a Variant of Uncertain Significance.

NM_001946.4(DUSP6):c.35C>T (p.Ser12Leu)

Genes: DUSP6 (dual specificity phosphatase 6; minus strand), POC1B-DUSP6 (POC1B-DUSP6 readthrough; minus strand). Cytogenetic location: 12q21.33.
Variant type: single nucleotide variant.
Coding change: c.35C>T on transcript NM_001946.4 (MANE Select); coding-DNA position 35, C replaced by T.
Protein change: p.Ser12Leu; replaces serine 12 with leucine.
Molecular consequence: missense variant.
Genome position (GRCh38, 1-based): chr12:89,352,005, G>A on the plus strand (C>T on the coding strand, the complement: DUSP6 is on the minus strand). VCF-style: chr12-89352005-G-A. GRCh37 (hg19) VCF-style: chr12-89745782-G-A.
Other names: c.35C>T, p.Ser12Leu (NM_022652.4); short protein forms S12L.
Identifiers: ClinVar variation 2885072 (VCV002885072.3), dbSNP rs752643011, ClinGen allele CA6714131.